The following is an entry in ClinVar:

NM_001384732.1(CPLANE1):c.2339A>G (p.Gln780Arg)

Gene: CPLANE1 (ciliogenesis and planar polarity effector complex subunit 1; minus strand). Cytogenetic location: 5p13.2.
Variant type: single nucleotide variant.
Coding change: c.2339A>G on transcript NM_001384732.1 (MANE Select); coding-DNA position 2339, A replaced by G.
Protein change: p.Gln780Arg; replaces glutamine 780 with arginine.
Molecular consequence: missense variant.
Genome position (GRCh38, 1-based): chr5:37,224,693, T>C on the plus strand (A>G on the coding strand, the complement: CPLANE1 is on the minus strand). VCF-style: chr5-37224693-T-C. GRCh37 (hg19) VCF-style: chr5-37224795-T-C.
Other names: c.2339A>G, p.Gln780Arg (NM_023073.4); short protein forms Q780R.
Identifiers: ClinVar variation 546424 (VCV000546424.6), dbSNP rs1289028361, ClinGen allele CA359493470.

ClinVar aggregate classification (germline): Uncertain significance. Review status: criteria provided, multiple submitters, no conflicts (2 of 4 stars). 3 submissions from 3 submitters: Uncertain significance (3). Last evaluated 2024-07-01.

Allele frequency attached by ClinVar (database versions not stated): gnomAD exomes below 0.00001 and 0.00001; TOPMed below 0.00001.
gnomAD v4.1: 1 of 1,551,592 alleles (0.000064%); highest among the groups gnomAD compares: Admixed American, 0.002%; no homozygotes.

Submissions (3):

Labcorp Genetics (formerly Invitae), Labcorp
Classification: Uncertain significance. Last evaluated: 2024-07-01. Review status: criteria provided, single submitter. Criteria: Invitae Variant Classification Sherloc (09022015). Collection method: clinical testing. Allele origin: germline.
Comment: This sequence change replaces glutamine, which is neutral and polar, with arginine, which is basic and polar, at codon 780 of the CPLANE1 protein (p.Gln780Arg). This variant is present in population databases (no rsID available, gnomAD 0.004%). This variant has not been reported in the literature in individuals affected with CPLANE1-related conditions. ClinVar contains an entry for this variant (Variation ID: 546424). Advanced modeling of protein sequence and biophysical properties (such as structural, functional, and spatial information, amino acid conservation, physicochemical variation, residue mobility, and thermodynamic stability) performed at Invitae indicates that this missense variant is not expected to disrupt CPLANE1 protein function with a negative predictive value of 95%. In summary, the available evidence is currently insufficient to determine the role of this variant in disease. Therefore, it has been classified as a Variant of Uncertain Significance.

Blueprint Genetics
Classification: Uncertain significance. Last evaluated: 2022-09-30. Review status: criteria provided, single submitter. Criteria: ACMG Guidelines, 2015. Collection method: clinical testing. Allele origin: germline.

GeneDx
Classification: Uncertain significance. Last evaluated: 2018-05-21. Review status: criteria provided, single submitter. Criteria: GeneDx Variant Classification (06012015). Collection method: clinical testing. Allele origin: germline. Affected: yes.
Comment: A variant of uncertain significance has been identified in the C5orf42 gene. The Q780R variant has not been published as a pathogenic variant, nor has it been reported as a benign variant to our knowledge. This variant is not observed at a significant frequency in large population cohorts (Lek et al., 2016). The Q780R variant is a semi-conservative amino acid substitution, which may impact secondary protein structure as these residues differ in some properties. In-silico analyses, including protein predictors and evolutionary conservation, support that this variant does not alter protein structure/function. Therefore, based on the currently available information, it is unclear whether this variant is a pathogenic variant or a rare benign variant.